The following is an entry in ClinVar:

NM_001384732.1(CPLANE1):c.443A>G (p.Asn148Ser)

Gene: CPLANE1 (ciliogenesis and planar polarity effector complex subunit 1; minus strand). Cytogenetic location: 5p13.2.
Variant type: single nucleotide variant.
Coding change: c.443A>G on transcript NM_001384732.1 (MANE Select); coding-DNA position 443, A replaced by G.
Protein change: p.Asn148Ser; replaces asparagine 148 with serine.
Molecular consequence: missense variant.
Genome position (GRCh38, 1-based): chr5:37,244,502, T>C on the plus strand (A>G on the coding strand, the complement: CPLANE1 is on the minus strand). VCF-style: chr5-37244502-T-C. GRCh37 (hg19) VCF-style: chr5-37244604-T-C.
Other names: c.443A>G, p.Asn148Ser (NM_023073.4); short protein forms N148S.
Identifiers: ClinVar variation 1397697 (VCV001397697.8), dbSNP rs549015748, ClinGen allele CA117068840.

ClinVar aggregate classification (germline): Uncertain significance (1 of 4 stars; one submission).

Allele frequency attached by ClinVar (database versions not stated): TOPMed below 0.00001; gnomAD 0.00001; 1000 Genomes Project 30x 0.00016; 1000 Genomes Project 0.00020.

Submission:

Labcorp Genetics (formerly Invitae), Labcorp
Classification: Uncertain significance. Last evaluated: 2022-01-06. Review status: criteria provided, single submitter. Criteria: Invitae Variant Classification Sherloc (09022015). Collection method: clinical testing. Allele origin: germline.
Comment: This variant is not present in population databases (gnomAD no frequency). This sequence change replaces asparagine, which is neutral and polar, with serine, which is neutral and polar, at codon 148 of the CPLANE1 protein (p.Asn148Ser). This variant has not been reported in the literature in individuals affected with CPLANE1-related conditions. In summary, the available evidence is currently insufficient to determine the role of this variant in disease. Therefore, it has been classified as a Variant of Uncertain Significance. Advanced modeling of protein sequence and biophysical properties (such as structural, functional, and spatial information, amino acid conservation, physicochemical variation, residue mobility, and thermodynamic stability) performed at Invitae indicates that this missense variant is not expected to disrupt CPLANE1 protein function.